The following is an entry in ClinVar:

ClinVar aggregate classification (germline): Uncertain significance (1 of 4 stars; one submission).

Allele frequency attached by ClinVar (database versions not stated): gnomAD exomes below 0.00001.
gnomAD v4.1: 1 of 1,614,174 alleles (0.000062%); highest among the groups gnomAD compares: South Asian, 0.0011%; no homozygotes.

Submission:

Ambry Genetics
Classification: Uncertain significance. Last evaluated: 2023-05-14. Review status: criteria provided, single submitter. Criteria: Ambry Variant Classification Scheme 2023. Collection method: clinical testing. Allele origin: germline.
Comment: The p.G1429D variant (also known as c.4286G>A), located in coding exon 4 of the ALPK2 gene, results from a G to A substitution at nucleotide position 4286. The glycine at codon 1429 is replaced by aspartic acid, an amino acid with similar properties. This amino acid position is conserved. In addition, this alteration is predicted to be tolerated by in silico analysis. Since supporting evidence is limited at this time, the clinical significance of this alteration remains unclear.

NM_052947.4(ALPK2):c.4286G>A (p.Gly1429Asp)

Genes: ALPK2 (alpha kinase 2; minus strand), LOC126862764 (BRD4-independent group 4 enhancer GRCh37_chr18:56202574-56203773; plus strand). Cytogenetic location: 18q21.31.
Variant type: single nucleotide variant.
Coding change: c.4286G>A on transcript NM_052947.4 (MANE Select); coding-DNA position 4286, G replaced by A.
Protein change: p.Gly1429Asp; replaces glycine 1429 with aspartic acid.
Molecular consequence: missense variant.
Genome position (GRCh38, 1-based): chr18:58,535,901, C>T on the plus strand (G>A on the coding strand, the complement: ALPK2 is on the minus strand). VCF-style: chr18-58535901-C-T. GRCh37 (hg19) VCF-style: chr18-56203133-C-T.
Other names: short protein forms G1429D.
Identifiers: ClinVar variation 2561808 (VCV002561808.2), dbSNP rs2518875068, ClinGen allele CA402563343.